The following is an entry in ClinVar:

NM_020778.5(ALPK3):c.717del (p.Arg240fs)

Gene: ALPK3 (alpha kinase 3; plus strand). Cytogenetic location: 15q25.3.
Variant type: Deletion.
Coding change: c.717del on transcript NM_020778.5 (MANE Select); coding-DNA position 717, one base deleted (C; older notation c.717delC).
Protein change: p.Arg240fs; shifts the reading frame from arginine 240.
Molecular consequence: frameshift variant.
Genome position (GRCh38, 1-based): chr15:84,839,996, C deleted; the last of 2 consecutive C bases (chr15:84,839,995-84,839,996); deleting either gives the same sequence. VCF-style (leftmost placement, unchanged base first): chr15-84839994-AC-A. GRCh37 (hg19) VCF-style: chr15-85383225-AC-A.
Other names: short protein forms R240fs.
Identifiers: ClinVar variation 4701973 (VCV004701973.1).

ClinVar aggregate classification (germline): Pathogenic (1 of 4 stars; one submission).

Submission:

Labcorp Genetics (formerly Invitae), Labcorp
Classification: Pathogenic. Last evaluated: 2026-01-27. Review status: criteria provided, single submitter. Criteria: Invitae Variant Classification Sherloc (09022015). Collection method: clinical testing. Allele origin: germline.
Comment: This sequence change creates a premature translational stop signal (p.Arg442Glyfs*26) in the ALPK3 gene. It is expected to result in an absent or disrupted protein product. Loss-of-function variants in ALPK3 are known to be pathogenic (PMID: 21441111, 26846950, 27106955, 34263907). This variant is present in population databases (rs758861870, gnomAD 0.0009%). This variant has not been reported in the literature in individuals affected with ALPK3-related conditions. For these reasons, this variant has been classified as Pathogenic.

Literature cited by the submitters: PubMed 21441111; PubMed 26846950; PubMed 27106955; PubMed 34263907.